The following is an entry in ClinVar:

ClinVar aggregate classification (germline): Uncertain significance (1 of 4 stars; one submission).

Submission:

GeneDx
Classification: Uncertain significance. Last evaluated: 2025-10-14. Review status: criteria provided, single submitter. Criteria: GeneDx Variant Classification Process June 2021. Collection method: clinical testing. Allele origin: germline. Affected: yes.
Comment: Not observed at significant frequency in large population cohorts (gnomAD); In silico analysis supports that this missense variant has a deleterious effect on protein structure/function; Has not been previously published as pathogenic or benign to our knowledge

NM_016032.4(ZDHHC9):c.35G>A (p.Arg12Gln)

Gene: ZDHHC9 (zDHHC palmitoyltransferase 9; minus strand). Cytogenetic location: Xq26.1.
Variant type: single nucleotide variant.
Coding change: c.35G>A on transcript NM_016032.4 (MANE Select); coding-DNA position 35, G replaced by A.
Protein change: p.Arg12Gln; replaces arginine 12 with glutamine.
Molecular consequence: missense variant.
Genome position (GRCh38, 1-based): chrX:129,841,911, C>T on the plus strand (G>A on the coding strand, the complement: ZDHHC9 is on the minus strand). VCF-style: chrX-129841911-C-T. GRCh37 (hg19) VCF-style: chrX-128975887-C-T.
Other names: c.35G>A, p.Arg12Gln (NM_001008222.3); short protein forms R12Q.
Identifiers: ClinVar variation 1708741 (VCV001708741.4), dbSNP rs2522244552, ClinGen allele CA414627429.